The following is an entry in ClinVar:

NM_017617.5(NOTCH1):c.1894G>A (p.Gly632Arg)

Gene: NOTCH1 (notch receptor 1; minus strand). Cytogenetic location: 9q34.3.
Variant type: single nucleotide variant.
Coding change: c.1894G>A on transcript NM_017617.5 (MANE Select); coding-DNA position 1894, G replaced by A.
Protein change: p.Gly632Arg; replaces glycine 632 with arginine.
Molecular consequence: missense variant.
Genome position (GRCh38, 1-based): chr9:136,515,492, C>T on the plus strand (G>A on the coding strand, the complement: NOTCH1 is on the minus strand). VCF-style: chr9-136515492-C-T. GRCh37 (hg19) VCF-style: chr9-139409944-C-T.
Other names: short protein forms G632R.
Identifiers: ClinVar variation 1418834 (VCV001418834.8), dbSNP rs2133363267, ClinGen allele CA375559520.

ClinVar aggregate classification (germline): Uncertain significance (1 of 4 stars; one submission).

Conditions:
Adams-Oliver syndrome 5 (AOS5). Identifiers: Orphanet 974, MedGen C4014970, MONDO:0014459, OMIM 616028.

Submission:

Labcorp Genetics (formerly Invitae), Labcorp
Classification: Uncertain significance for Adams-Oliver syndrome 5. Last evaluated: 2020-12-18. Review status: criteria provided, single submitter. Criteria: Invitae Variant Classification Sherloc (09022015). Collection method: clinical testing. Allele origin: germline.
Comment: This sequence change replaces glycine with arginine at codon 632 of the NOTCH1 protein (p.Gly632Arg). The glycine residue is highly conserved and there is a moderate physicochemical difference between glycine and arginine. This variant is not present in population databases (ExAC no frequency). This variant has not been reported in the literature in individuals with NOTCH1-related conditions. Algorithms developed to predict the effect of missense changes on protein structure and function are either unavailable or do not agree on the potential impact of this missense change (SIFT: "Deleterious"; PolyPhen-2: "Probably Damaging"; Align-GVGD: "Class C15"). In summary, the available evidence is currently insufficient to determine the role of this variant in disease. Therefore, it has been classified as a Variant of Uncertain Significance.